The following is an entry in ClinVar:

NM_015041.3(CLUAP1):c.443C>T (p.Thr148Ile)

Gene: CLUAP1 (clusterin associated protein 1; plus strand). Cytogenetic location: 16p13.3.
Variant type: single nucleotide variant.
Coding change: c.443C>T on transcript NM_015041.3 (MANE Select); coding-DNA position 443, C replaced by T.
Protein change: p.Thr148Ile; replaces threonine 148 with isoleucine.
Molecular consequence: missense variant. On other transcripts: intron variant (1).
Genome position (GRCh38, 1-based): chr16:3,512,426, C>T. VCF-style: chr16-3512426-C-T. GRCh37 (hg19) VCF-style: chr16-3562426-C-T.
Other names: c.443C>T, p.Thr148Ile (NM_001330454.2); c.-4+2457C>T (NM_024793.3); short protein forms T148I.
Identifiers: ClinVar variation 4742101 (VCV004742101.1).

ClinVar aggregate classification (germline): Uncertain significance (1 of 4 stars; one submission).

Submission:

Labcorp Genetics (formerly Invitae), Labcorp
Classification: Uncertain significance. Last evaluated: 2026-01-02. Review status: criteria provided, single submitter. Criteria: Invitae Variant Classification Sherloc (09022015). Collection method: clinical testing. Allele origin: germline.
Comment: This sequence change replaces threonine, which is neutral and polar, with isoleucine, which is neutral and non-polar, at codon 148 of the CLUAP1 protein (p.Thr148Ile). This variant is not present in population databases (gnomAD no frequency). This variant has not been reported in the literature in individuals affected with CLUAP1-related conditions. Invitae Evidence Modeling of protein sequence and biophysical properties (such as structural, functional, and spatial information, amino acid conservation, physicochemical variation, residue mobility, and thermodynamic stability) indicates that this missense variant is not expected to disrupt CLUAP1 protein function with a negative predictive value of 80%. In summary, the available evidence is currently insufficient to determine the role of this variant in disease. Therefore, it has been classified as a Variant of Uncertain Significance.